The following is an entry in ClinVar:

ClinVar aggregate classification (germline): Uncertain significance (1 of 4 stars; one submission).

Conditions:
SLC52A2-related disorder. Also called: SLC52A2-related condition.

Submission:

PreventionGenetics, part of Exact Sciences
Classification: Uncertain significance for SLC52A2-related condition. Last evaluated: 2025-10-28. Review status: criteria provided, single submitter. Criteria: ACMG Guidelines, 2015. Collection method: clinical testing. Allele origin: germline.
Comment: The SLC52A2 c.1338A>G variant is predicted to result in extension of the open reading frame (p.*446Trpext*22). To our knowledge, this variant has not been reported in the literature or in a large population database (gnomAD), indicating this variant is rare. Although we suspect that this variant may be pathogenic, at this time, the clinical significance of this variant is uncertain due to the absence of conclusive functional and genetic evidence.

NM_001363118.2(SLC52A2):c.1338A>G (p.Ter446Trp)

Gene: SLC52A2 (solute carrier family 52 member 2; plus strand). Cytogenetic location: 8q24.3.
Variant type: single nucleotide variant.
Coding change: c.1338A>G on transcript NM_001363118.2 (MANE Select); coding-DNA position 1338, A replaced by G.
Protein change: p.Ter446Trp.
Molecular consequence: stop lost. On other transcripts: non-coding transcript variant (1).
Genome position (GRCh38, 1-based): chr8:144,361,015, A>G. VCF-style: chr8-144361015-A-G. GRCh37 (hg19) VCF-style: chr8-145584675-A-G.
Other names: c.1338A>G, p.Ter446Trp (NM_001253815.2, NM_001253816.2, NM_001363120.2 and 5 more transcripts); c.846A>G, p.Ter282Trp (NM_001363122.2, NM_001438089.1, NM_001438494.1 and 2 more transcripts); c.1074A>G, p.Ter358Trp (NM_001410949.1).
Identifiers: ClinVar variation 4979962 (VCV004979962.1).
Genomic context (GRCh38, chr8:144,361,015, plus strand): 5'-GACCAGCATCTATCACGTGTTCCACAGCAGAAAGGACTGTGCAGACCCCTGTGACTCCTG[A>G]GCCTGGGCAGGTGGGGACCCCGCTCCCCAACACCTGTCTTTCCCTCAATGCTGCCACCAT-3'